The following is an entry in ClinVar:

NM_001242896.3(DEPDC5):c.1618C>G (p.Leu540Val)

Gene: DEPDC5 (DEP domain containing 5, GATOR1 subcomplex subunit; plus strand). Cytogenetic location: 22q12.3.
Variant type: single nucleotide variant.
Coding change: c.1618C>G on transcript NM_001242896.3 (MANE Select); coding-DNA position 1618, C replaced by G.
Protein change: p.Leu540Val; replaces leucine 540 with valine.
Molecular consequence: missense variant. On other transcripts: non-coding transcript variant (5).
Genome position (GRCh38, 1-based): chr22:31,815,164, C>G. VCF-style: chr22-31815164-C-G. GRCh37 (hg19) VCF-style: chr22-32211150-C-G.
Other names: c.1618C>G, p.Leu540Val (NM_001007188.4, NM_001136029.4, NM_001242897.2 and 7 more transcripts); c.1534C>G, p.Leu512Val (NM_001369901.1, NM_001369902.1); short protein forms L512V, L540V.
Identifiers: ClinVar variation 3393622 (VCV003393622.2).

ClinVar aggregate classification (germline): Uncertain significance (1 of 4 stars; one submission).

Submission:

GeneDx
Classification: Uncertain significance. Last evaluated: 2025-09-02. Review status: criteria provided, single submitter. Criteria: GeneDx Variant Classification Process June 2021. Collection method: clinical testing. Allele origin: germline. Affected: yes.
Comment: Not observed at significant frequency in large population cohorts (gnomAD); In silico analysis suggests that this missense variant does not alter protein structure/function; Has not been previously published as pathogenic or benign to our knowledge